The following is an entry in ClinVar:

ClinVar aggregate classification (germline): Uncertain significance. Review status: reviewed by expert panel (3 of 4 stars). 8 submissions from 8 submitters: Uncertain significance (1). 7 of the submissions do not count toward it. Last evaluated 2025-03-12.

Conditions:
Usher syndrome type 1B (USH1B). Also called: Usher syndrome type IB. Identifiers: MedGen C1848638, MONDO:0700087.
Usher syndrome type 1 (USH1). Also called: RETINITIS PIGMENTOSA AND CONGENITAL DEAFNESS. Identifiers: Orphanet 231169, Orphanet 886, MedGen C1568247, MONDO:0010168, OMIM 276900.
Autosomal recessive nonsyndromic hearing loss 2. Also called: DEAFNESS, AUTOSOMAL RECESSIVE 2; NEUROSENSORY NONSYNDROMIC RECESSIVE DEAFNESS 2. Identifiers: Orphanet 90636, MedGen C1838701, MONDO:0010807, OMIM 600060.
Usher syndrome. Also called: Usher Syndromes; Usher's syndrome. Identifiers: Orphanet 886, MedGen CN469326, MeSH D052245, MONDO:0019501. Disease mechanism: loss of function.

Allele frequency attached by ClinVar (database versions not stated): ExAC 0.00001; gnomAD exomes 0.00001 and 0.00002; TOPMed 0.00006; gnomAD 0.00009.
gnomAD v4.1: 26 of 1,613,040 alleles (0.0016%); highest among the groups gnomAD compares: African/African-American, 0.019%; no homozygotes.

Submissions (8):

ClinGen Hearing Loss Variant Curation Expert Panel
Classification: Uncertain significance for Usher syndrome. Last evaluated: 2025-03-12. Review status: reviewed by expert panel. Criteria: Clingen Hl Acmg Specifications Cdh23 Coch Gjb2 Kcnq4 Myo6 Myo7a Slc26a4 Tecta Ush2a V2. Collection method: curation. Allele origin: germline. Inheritance: Autosomal recessive inheritance.
Comment: The c.1997G>A variant in MYO7A is a missense variant predicted to cause substitution of arginine by glycine at amino acid 666. The highest population minor allele frequency in gnomAD v4.1 is 0.0001865 (14/75048 alleles) in the African/African-American population (PM2_Supporting and BS1_Supporting are not met). The computational predictor REVEL gives a score of 0.841, which is above the threshold of 0.7, evidence that correlates with impact to MYO7A function (PP3). This variant has been observed in one proband with Usher syndrome, four probands with hearing loss, and two probands with retinal disease. However, they all harbored another variant of uncertain significance c.3527G>A (p.Ser1176Asn) with phase unknown, and two who were found to have an alternate molecular basis for disease (PM3_Supporting not met; ClinVar ID: 196099; PMIDs: 27460420, 31479088, 33297549, 27344577, LabCorp Genetics (formerly Invitae) internal data ClinVar SCV001498602.2, GeneDx internal data). In summary, this variant has been classified as a variant of uncertain significance for autosomal recessive Usher syndrome based on the ACMG/AMP criteria applied, as specified by the ClinGen Hearing Loss VCEP: PP3 (ClinGen Hearing Loss VCEP specifications version 2; 3/12/2025).

Dasa
Classification: Uncertain significance. Last evaluated: 2025-10-07. Review status: criteria provided, single submitter. Criteria: DASA Assertion Criteria. Collection method: clinical testing. Allele origin: germline. Not counted in ClinVar's aggregate classification.
Comment: NM_000260.4(MYO7A):c.1997G>A (p.Arg666Gln) is a missense variant that results in the substitution of arginine with glutamine. This variant is rare in population databases. The currently available literature and clinical evidence are not sufficient to establish a definitive association between this variant and the reported condition. Therefore, this variant is classified as a variant of uncertain significance.

Genomic Medicine Center of Excellence, King Faisal Specialist Hospital and Research Centre
Classification: Uncertain significance for Usher syndrome type 1. Last evaluated: 2024-03-25. Review status: criteria provided, single submitter. Criteria: ACMG Guidelines, 2015. Collection method: clinical testing. Allele origin: germline. Not counted in ClinVar's aggregate classification.

Blueprint Genetics
Classification: Uncertain significance. Last evaluated: 2024-03-02. Review status: criteria provided, single submitter. Criteria: ACMG Guidelines, 2015. Collection method: clinical testing. Allele origin: germline. Not counted in ClinVar's aggregate classification.

Mendelics
Classification: Uncertain significance for Usher syndrome type 1. Last evaluated: 2023-04-21. Review status: criteria provided, single submitter. Criteria: Mendelics Assertion Criteria 2017. Collection method: clinical testing. Allele origin: unknown. Not counted in ClinVar's aggregate classification.

Labcorp Genetics (formerly Invitae), Labcorp
Classification: Uncertain significance. Last evaluated: 2022-09-13. Review status: criteria provided, single submitter. Criteria: Invitae Variant Classification Sherloc (09022015). Collection method: clinical testing. Allele origin: germline. Not counted in ClinVar's aggregate classification.
Comment: This sequence change replaces arginine, which is basic and polar, with glutamine, which is neutral and polar, at codon 666 of the MYO7A protein (p.Arg666Gln). This variant is present in population databases (rs782396605, gnomAD 0.01%). This missense change has been observed in individual(s) with Usher syndrome, deafness (PMID: 27344577, 27460420, 31479088, 33297549). ClinVar contains an entry for this variant (Variation ID: 556881). Advanced modeling of protein sequence and biophysical properties (such as structural, functional, and spatial information, amino acid conservation, physicochemical variation, residue mobility, and thermodynamic stability) has been performed at Invitae for this missense variant, however the output from this modeling did not meet the statistical confidence thresholds required to predict the impact of this variant on MYO7A protein function. In summary, the available evidence is currently insufficient to determine the role of this variant in disease. Therefore, it has been classified as a Variant of Uncertain Significance.

Natera, Inc.
Classification: Uncertain significance for Usher syndrome type 1B. Last evaluated: 2020-01-16. Review status: no assertion criteria provided. Collection method: clinical testing. Allele origin: germline. Not counted in ClinVar's aggregate classification.

Counsyl
Classification: Uncertain significance for Usher syndrome type 1; Autosomal recessive nonsyndromic hearing loss 2. Last evaluated: 2018-02-28. Review status: no assertion criteria provided. Collection method: clinical testing. Allele origin: unknown. Not counted in ClinVar's aggregate classification.

Literature cited by the submitters: PubMed 27344577 (cited by Labcorp Genetics (formerly Invitae), Labcorp and Counsyl); PubMed 27460420 (cited by Labcorp Genetics (formerly Invitae), Labcorp and Counsyl); PubMed 31479088 (cited by Labcorp Genetics (formerly Invitae), Labcorp); PubMed 33297549 (cited by Labcorp Genetics (formerly Invitae), Labcorp).

NM_000260.4(MYO7A):c.1997G>A (p.Arg666Gln)

Gene: MYO7A (myosin VIIA; plus strand). Cytogenetic location: 11q13.5.
Variant type: single nucleotide variant.
Coding change: c.1997G>A on transcript NM_000260.4 (MANE Select); coding-DNA position 1997, G replaced by A.
Protein change: p.Arg666Gln; replaces arginine 666 with glutamine.
Molecular consequence: missense variant.
Genome position (GRCh38, 1-based): chr11:77,174,817, G>A. VCF-style: chr11-77174817-G-A. GRCh37 (hg19) VCF-style: chr11-76885863-G-A.
Other names: c.1997G>A, p.Arg666Gln (NM_001127180.2); c.1964G>A, p.Arg655Gln (NM_001369365.1); short protein forms R666Q, R655Q.
Identifiers: ClinVar variation 556881 (VCV000556881.14), dbSNP rs782396605, ClinGen allele CA6197659.